The following is an entry in ClinVar:

ClinVar aggregate classification (germline): Uncertain significance (1 of 4 stars; one submission).

Conditions:
Hereditary cancer-predisposing syndrome. Also called: Neoplastic Syndromes, Hereditary; Tumor predisposition; Hereditary Cancer Syndrome; Hereditary neoplastic syndrome. Identifiers: Orphanet 140162, MedGen C0027672, MeSH D009386, MONDO:0015356.

Submission:

Ambry Genetics
Classification: Uncertain significance for Hereditary cancer-predisposing syndrome. Last evaluated: 2026-04-19. Review status: criteria provided, single submitter. Criteria: Ambry Variant Classification Scheme 2023. Collection method: clinical testing. Allele origin: germline.
Comment: The p.K1008E variant (also known as c.3022A>G), located in coding exon 18 of the DICER1 gene, results from an A to G substitution at nucleotide position 3022. The lysine at codon 1008 is replaced by glutamic acid, an amino acid with similar properties. This amino acid position is conserved. In addition, the in silico prediction for this alteration is inconclusive. Based on the available evidence, the clinical significance of this variant remains unclear.

NM_177438.3(DICER1):c.3022A>G (p.Lys1008Glu)

Gene: DICER1 (dicer 1, ribonuclease III; minus strand). Cytogenetic location: 14q32.13.
Variant type: single nucleotide variant.
Coding change: c.3022A>G on transcript NM_177438.3 (MANE Select); coding-DNA position 3022, A replaced by G.
Protein change: p.Lys1008Glu; replaces lysine 1008 with glutamic acid.
Molecular consequence: missense variant. On other transcripts: non-coding transcript variant (6).
Genome position (GRCh38, 1-based): chr14:95,105,749, T>C on the plus strand (A>G on the coding strand, the complement: DICER1 is on the minus strand). VCF-style: chr14-95105749-T-C. GRCh37 (hg19) VCF-style: chr14-95572086-T-C.
Other names: c.2617A>G, p.Lys873Glu (NM_001395696.1, NM_001395687.1, NM_001395688.1 and 2 more transcripts); c.1339A>G, p.Lys447Glu (NM_001395697.1); c.3022A>G, p.Lys1008Glu (NM_030621.4, NM_001395693.1, NM_001395694.1 and 12 more transcripts); c.2740A>G, p.Lys914Glu (NM_001395686.1); c.2455A>G, p.Lys819Glu (NM_001395691.1); short protein forms K1008E, K447E, K819E, K873E, K914E.
Identifiers: ClinVar variation 4869765 (VCV004869765.1).